The following is an entry in ClinVar:

ClinVar aggregate classification (germline): Pathogenic. Review status: criteria provided, multiple submitters, no conflicts (2 of 4 stars). 13 submissions from 13 submitters: Pathogenic (9). 4 of the submissions do not count toward it. Last evaluated 2026-01-22.
ClinVar aggregate classification (somatic clinical impact): Tier I - Strong (1 of 4 stars; one submission).

Conditions:
Von Hippel-Lindau syndrome (VHLS). Also called: Von Hippel-Lindau; von Hippel–Lindau syndrome; VHL syndrome. Identifiers: Orphanet 892, MedGen C0019562, MONDO:0008667, OMIM 193300. Disease mechanism: loss of function.
Chuvash polycythemia. Also called: POLYCYTHEMIA, VHL-DEPENDENT. Identifiers: Orphanet 238557, MedGen C1837915, MONDO:0009892, OMIM 263400.
Hereditary cancer-predisposing syndrome. Also called: Neoplastic Syndromes, Hereditary; Tumor predisposition; Hereditary Cancer Syndrome; Hereditary neoplastic syndrome. Identifiers: Orphanet 140162, MedGen C0027672, MeSH D009386, MONDO:0015356.
Familial infantile myasthenia (CMS6). Also called: MYASTHENIC SYNDROME, CONGENITAL, 6, PRESYNAPTIC; MYASTHENIC SYNDROME, PRESYNAPTIC, CONGENITAL, ASSOCIATED WITH EPISODIC APNEA; Congenital myasthenic syndrome type 6. Identifiers: Orphanet 590, MedGen C0393929, MONDO:0009689, OMIM 254210.
Hemangioblastoma. Identifiers: Orphanet 252054, MedGen C0206734, MONDO:0016748, HP:0010797.

Allele frequency attached by ClinVar (database versions not stated): TOPMed below 0.00001.

Submissions 1 to 8 of 14:

Myriad Genetics, Inc.
Classification: Pathogenic for Von Hippel-Lindau syndrome. Last evaluated: 2026-01-22. Review status: criteria provided, single submitter. Criteria: Myriad Autosomal Dominant, Autosomal Recessive and X-Linked Classification Criteria (2023). Collection method: clinical testing. Allele origin: unknown.
Comment: This variant is considered pathogenic. This variant creates a termination codon and is predicted to result in premature protein truncation.

Labcorp Genetics (formerly Invitae), Labcorp
Classification: Pathogenic for Von Hippel-Lindau syndrome; Chuvash polycythemia. Last evaluated: 2025-10-22. Review status: criteria provided, single submitter. Criteria: Invitae Variant Classification Sherloc (09022015). Collection method: clinical testing. Allele origin: germline.
Comment: This sequence change creates a premature translational stop signal (p.Arg161*) in the VHL gene. While this is not anticipated to result in nonsense mediated decay, it is expected to disrupt the last 53 amino acid(s) of the VHL protein. This variant is not present in population databases (gnomAD no frequency). This premature translational stop signal has been observed in individual(s) with von Hippel-Lindau syndrome (PMID: 7987306, 8956040, 9452032, 9829911, 9829912, 10567493, 12114495, 14722919, 15300849, 18446368, 19270817, 21362373, 24206762, 24301059, 25867206). In at least one individual the variant was observed to be de novo. It has also been observed to segregate with disease in related individuals. This variant is also known as c.694C>T. ClinVar contains an entry for this variant (Variation ID: 2217). This variant disrupts the p.Arg161 amino acid residue in VHL. Other variant(s) that disrupt this residue have been determined to be pathogenic (PMID: 7728151, 9829911, 12000816, 14767570, 15300849, 20120764, 21362373, 23842656, 24707167). This suggests that this residue is clinically significant, and that variants that disrupt this residue are likely to be disease-causing. For these reasons, this variant has been classified as Pathogenic.

Institute for Genomic Medicine (IGM) Clinical Laboratory, Nationwide Children's Hospital
Classification: Tier I - Strong for Hemangioblastoma. Assertion type: diagnostic. Clinical significance: supports diagnosis. Last evaluated: 2025-05-05. Review status: criteria provided, single submitter. Criteria: AMP/ASCO/CAP Guidelines, 2017. Collection method: clinical testing. Allele origin: somatic. Affected: yes.
Comment: Variant has Tier I (strong) clinical significance as a diagnostic inclusion criterion in hemangioblastoma, based on the following evidence: 1) Documented in one or more cancer databases (e.g., St. Jude Pecan, COSMIC, CIViC, OncoKB). 2) Appears in one or more well-established professional guidelines (e.g., World Health Organization [WHO]; National Comprehensive Cancer Network [NCCN]) as providing diagnostic, prognostic, or therapeutic information. 3) Diagnostic for a specific tumor type/classification based on well-powered studies with expert-level consensus (Evidence Level B; PMIDs: 9458097, 24335534, 25589003, 28379443, 34185076, 8069849).

Ambry Genetics
Classification: Pathogenic for Hereditary cancer-predisposing syndrome. Last evaluated: 2023-04-17. Review status: criteria provided, single submitter. Criteria: Ambry Variant Classification Scheme 2023. Collection method: clinical testing. Allele origin: germline.
Comment: The p.R161* pathogenic mutation (also known as c.481C>T) located in coding exon 3 of the VHL gene, results from a C to T substitution at nucleotide position 481. This changes the amino acid from an arginine to a stop codon within coding exon 3. This mutation has been reported in several individuals with personal and family histories of Von Hippel-Lindau (VHL) syndrome (Cho HJ et al. J Korean Med Sci. 2009 Feb;24:77-83; Siu WK et al. Chin. Med. J. 2011 Jan;124:237-41; Zbar B et al. Hum. Mutat. 1996;8:348-57; Papathomas TG et al. Mod. Pathol. 2015 Jun;28:807-21; Wong M et al. Chin J Cancer. 2016 Aug;35:79; Sriphrapradang C et al. Clin Med Insights Endocrinol Diabetes. 2017 Apr;10:1179551417705122). In addition to the clinical data presented in the literature, this alteration is expected to result in loss of function by premature protein truncation or nonsense-mediated mRNA decay. As such, this alteration is interpreted as a disease-causing mutation.

GeneDx
Classification: Pathogenic. Last evaluated: 2023-02-07. Review status: criteria provided, single submitter. Criteria: GeneDx Variant Classification Process June 2021. Collection method: clinical testing. Allele origin: germline. Affected: yes.
Comment: Nonsense variant in the C-terminus predicted to result in protein truncation, as the last 53 amino acids are lost, and other loss-of-function variants have been reported downstream in the Human Gene Mutation Database (HGMD); Not observed at significant frequency in large population cohorts (gnomAD); This variant is associated with the following publications: (PMID: 21362373, 26514359, 23070752, 9829911, 12114495, 10408776, 21972040, 8956040, 25867206, 27527340, 7987306, 25720320, 24581539, 18446368, 9829912, 19574279, 11409863, 19996202, 28630796, 14987375, 9681856, 17661816, 11309459, 20064270, 16572651, 28849724, 7987327, 28469506, 30787465, 33720516, 20233476, 32782288, 32974018)

Institute for Clinical Genetics, University Hospital TU Dresden, University Hospital TU Dresden
Classification: Pathogenic. Last evaluated: 2021-11-03. Review status: criteria provided, single submitter. Criteria: ACMG Guidelines, 2015. Collection method: clinical testing. Allele origin: germline.

Women's Health and Genetics/Laboratory Corporation of America, LabCorp
Classification: Pathogenic for Von Hippel-Lindau syndrome. Last evaluated: 2019-07-22. Review status: criteria provided, single submitter. Criteria: LabCorp Variant Classification Summary - May 2015. Collection method: clinical testing. Allele origin: germline.
Comment: Variant summary: VHL c.481C>T (p.Arg161X) results in a premature termination codon, predicted to cause a truncation of the encoded protein or absence of the protein due to nonsense mediated decay, which are commonly known mechanisms for disease. Truncations downstream of this position have been classified as pathogenic by our laboratory. The variant was absent in 251440 control chromosomes. c.481C>T has been extensively reported in the literature spanning over two decades to co-segregate with disease among multiple affected individuals from families with Von Hippel-Lindau Syndrome (example, Loeb_1994, Zbar_1996, Maher_1996, Li_1998, Cybulski_2002, Ruiz-Llorente_2004, Gallou_2004). These data indicate that the variant is very likely to be associated with disease. No experimental evidence demonstrating an impact on protein function was ascertained during this review. Five clinical diagnostic laboratories have submitted clinical-significance assessments for this variant to ClinVar after 2014 without evidence for independent evaluation. All laboratories classified the variant as pathogenic. Based on the evidence outlined above, the variant was classified as pathogenic.

Clinical Genomics Labs, University Health Network
Classification: Pathogenic for Von Hippel-Lindau syndrome. Last evaluated: 2018-05-04. Review status: criteria provided, single submitter. Criteria: ACMG Guidelines, 2015. Collection method: clinical testing. Allele origin: germline.

NM_000551.4(VHL):c.481C>T (p.Arg161Ter)

Genes: VHL (von Hippel-Lindau tumor suppressor; plus strand), LOC107303340 (3p25 von Hippel-Lindau tumor suppressor, E3 ubiquitin protein ligase Alu-mediated recombination region; plus strand). Cytogenetic location: 3p25.3.
Variant type: single nucleotide variant.
Coding change: c.481C>T on transcript NM_000551.4 (MANE Select); coding-DNA position 481, C replaced by T.
Protein change: p.Arg161Ter; replaces arginine 161 with a stop codon.
Molecular consequence: nonsense. On other transcripts: 3 prime UTR variant (1).
Genome position (GRCh38, 1-based): chr3:10,149,804, C>T. VCF-style: chr3-10149804-C-T. GRCh37 (hg19) VCF-style: chr3-10191488-C-T.
Other names: p.R161*:CGA>TGA; c.*35C>T (NM_001354723.2); c.358C>T, p.Arg120Ter (NM_198156.3); short protein forms R161*, R120*.
Identifiers: ClinVar variation 2217 (VCV000002217.39), dbSNP rs5030818, ClinGen allele CA020408.
Genomic context (GRCh38, chr3:10,149,804, plus strand): 5'-AGACCCTAGTCTGCCACTGAGGATTTGGTTTTTGCCCTTCCAGTGTATACTCTGAAAGAG[C>T]GATGCCTCCAGGTTGTCCGGAGCCTAGTCAAGCCTGAGAATTACAGGAGACTGGACATCG-3'